The following is an entry in ClinVar:

ClinVar aggregate classification (germline): Uncertain significance (1 of 4 stars; one submission).

gnomAD v4.1: 2 of 1,613,922 alleles (0.00012%); highest among the groups gnomAD compares: Non-Finnish European, 0.00017%; no homozygotes.

Submission:

Labcorp Genetics (formerly Invitae), Labcorp
Classification: Uncertain significance. Last evaluated: 2024-12-12. Review status: criteria provided, single submitter. Criteria: Invitae Variant Classification Sherloc (09022015). Collection method: clinical testing. Allele origin: germline.
Comment: This sequence change replaces glutamine, which is neutral and polar, with leucine, which is neutral and non-polar, at codon 286 of the MYLK3 protein (p.Gln286Leu). This variant is present in population databases (no rsID available, gnomAD 0.0009%). This variant has not been reported in the literature in individuals affected with MYLK3-related conditions. An algorithm developed to predict the effect of missense changes on protein structure and function (PolyPhen-2) suggests that this variant is likely to be tolerated. In summary, the available evidence is currently insufficient to determine the role of this variant in disease. Therefore, it has been classified as a Variant of Uncertain Significance.

NM_182493.3(MYLK3):c.857A>T (p.Gln286Leu)

Gene: MYLK3 (myosin light chain kinase 3; minus strand). Cytogenetic location: 16q11.2.
Variant type: single nucleotide variant.
Coding change: c.857A>T on transcript NM_182493.3 (MANE Select); coding-DNA position 857, A replaced by T.
Protein change: p.Gln286Leu; replaces glutamine 286 with leucine.
Molecular consequence: missense variant. On other transcripts: intron variant (1).
Genome position (GRCh38, 1-based): chr16:46,737,855, T>A on the plus strand (A>T on the coding strand, the complement: MYLK3 is on the minus strand). VCF-style: chr16-46737855-T-A. GRCh37 (hg19) VCF-style: chr16-46771767-T-A.
Other names: c.-23+2202A>T (NM_001308301.1); short protein forms Q286L.
Identifiers: ClinVar variation 3725327 (VCV003725327.2).